The following is an entry in ClinVar:

ClinVar aggregate classification (germline): Uncertain significance (1 of 4 stars; one submission).

Submission:

CeGaT Center for Human Genetics Tuebingen
Classification: Uncertain significance. Last evaluated: 2022-08-01. Review status: criteria provided, single submitter. Criteria: CeGaT Center For Human Genetics Tuebingen Variant Classification Criteria Version 2. Collection method: clinical testing. Allele origin: germline. Affected: yes. Observed: 1 variant allele.
Comment: CACNA1B: PM2, PP3

NM_000718.4(CACNA1B):c.18C>A (p.Asp6Glu)

Genes: CACNA1B (calcium voltage-gated channel subunit alpha1 B; plus strand), CACNA1B-AS2 (CACNA1B antisense RNA 2; minus strand). Cytogenetic location: 9q34.3.
Variant type: single nucleotide variant.
Coding change: c.18C>A on transcript NM_000718.4 (MANE Select); coding-DNA position 18, C replaced by A.
Protein change: p.Asp6Glu; replaces aspartic acid 6 with glutamic acid.
Molecular consequence: missense variant.
Genome position (GRCh38, 1-based): chr9:137,877,951, C>A. VCF-style: chr9-137877951-C-A. GRCh37 (hg19) VCF-style: chr9-140772403-C-A.
Other names: c.18C>A, p.Asp6Glu (NM_001243812.2); short protein forms D6E.
Identifiers: ClinVar variation 2659842 (VCV002659842.24), dbSNP rs757235316, ClinGen allele CA375794246.